The following is an entry in ClinVar:

NM_153240.5(NPHP3):c.1525-313A>G

Genes: NPHP3 (nephrocystin 3; minus strand), NPHP3-ACAD11 (NPHP3-ACAD11 readthrough (NMD candidate); minus strand). Cytogenetic location: 3q22.1.
Variant type: single nucleotide variant.
Coding change: c.1525-313A>G on transcript NM_153240.5 (MANE Select); 313 bases into the intron before coding-DNA position 1525, A replaced by G.
Molecular consequence: intron variant.
Genome position (GRCh38, 1-based): chr3:132,701,846, T>C on the plus strand (A>G on the coding strand, the complement: NPHP3 is on the minus strand). VCF-style: chr3-132701846-T-C. GRCh37 (hg19) VCF-style: chr3-132420690-T-C.
Identifiers: ClinVar variation 668928 (VCV000668928.1), dbSNP rs11717311, ClinGen allele CA83593910.

ClinVar aggregate classification (germline): Benign (1 of 4 stars; one submission).

Allele frequency attached by ClinVar (database versions not stated): 1000 Genomes Project 30x 0.01343; 1000 Genomes Project 0.01438; TOPMed 0.01931; gnomAD 0.02274 and 0.02349.

Submission:

GeneDx
Classification: Benign. Last evaluated: 2018-06-14. Review status: criteria provided, single submitter. Criteria: GeneDx Variant Classification (06012015). Collection method: clinical testing. Allele origin: germline. Affected: yes.
Comment: This variant is considered likely benign or benign based on one or more of the following criteria: it is a conservative change, it occurs at a poorly conserved position in the protein, it is predicted to be benign by multiple in silico algorithms, and/or has population frequency not consistent with disease.